The following is an entry in ClinVar:

NM_033004.4(NLRP1):c.2647A>G (p.Lys883Glu)

Gene: NLRP1 (NLR family pyrin domain containing 1; minus strand). Cytogenetic location: 17p13.2.
Variant type: single nucleotide variant.
Coding change: c.2647A>G on transcript NM_033004.4 (MANE Select); coding-DNA position 2647, A replaced by G.
Protein change: p.Lys883Glu; replaces lysine 883 with glutamic acid.
Molecular consequence: missense variant.
Genome position (GRCh38, 1-based): chr17:5,541,909, T>C on the plus strand (A>G on the coding strand, the complement: NLRP1 is on the minus strand). VCF-style: chr17-5541909-T-C. GRCh37 (hg19) VCF-style: chr17-5445229-T-C.
Other names: c.2647A>G, p.Lys883Glu (NM_001033053.3, NM_014922.5, NM_033006.4 and 1 more transcripts); short protein forms K883E.
Identifiers: ClinVar variation 3640396 (VCV003640396.2).
Genomic context (GRCh38, chr17:5,541,909, plus strand): 5'-ACAATTACTGCAGTCGCTGTAGCTTGCAGCTCGGCTGTCTCAGTCTCTGGCAAAGGTGTT[T>C]GGCTCCAGCATCCGTGAGCACATTGAAGCTCAGGTCCAGCTCGGTCAGGGTCTGGTTGGC-3'
Protein context (NP_127497.1, residues 873-893): SFNVLTDAGA[Lys883Glu]HLCQRLRQPS

ClinVar aggregate classification (germline): Uncertain significance (1 of 4 stars; one submission).

Submission:

Labcorp Genetics (formerly Invitae), Labcorp
Classification: Uncertain significance. Last evaluated: 2024-02-18. Review status: criteria provided, single submitter. Criteria: Invitae Variant Classification Sherloc (09022015). Collection method: clinical testing. Allele origin: germline.
Comment: This sequence change replaces lysine, which is basic and polar, with glutamic acid, which is acidic and polar, at codon 883 of the NLRP1 protein (p.Lys883Glu). This variant is not present in population databases (gnomAD no frequency). This variant has not been reported in the literature in individuals affected with NLRP1-related conditions. Algorithms developed to predict the effect of missense changes on protein structure and function output the following: SIFT: "Not Available"; PolyPhen-2: "Benign"; Align-GVGD: "Not Available". The glutamic acid amino acid residue is found in multiple mammalian species, which suggests that this missense change does not adversely affect protein function. In summary, the available evidence is currently insufficient to determine the role of this variant in disease. Therefore, it has been classified as a Variant of Uncertain Significance.